The following is an entry in ClinVar:

ClinVar aggregate classification (germline): Likely benign (1 of 4 stars; one submission).

Submission:

CeGaT Center for Human Genetics Tuebingen
Classification: Likely benign. Last evaluated: 2026-02-01. Review status: criteria provided, single submitter. Criteria: CeGaT Center For Human Genetics Tuebingen Variant Classification Criteria Version 2. Collection method: clinical testing. Allele origin: germline. Affected: yes. Observed: 1 variant allele.
Comment: NRCAM: PM2:Supporting, BP4, BP7

NM_001037132.4(NRCAM):c.3765A>C (p.Leu1255=)

Gene: NRCAM (neuronal cell adhesion molecule; minus strand). Cytogenetic location: 7q31.1.
Variant type: single nucleotide variant.
Coding change: c.3765A>C on transcript NM_001037132.4 (MANE Select); coding-DNA position 3765, A replaced by C.
Protein change: p.Leu1255=; no amino-acid change (leucine 1255 retained).
Molecular consequence: synonymous variant. On other transcripts: 3 prime UTR variant (2), non-coding transcript variant (5).
Genome position (GRCh38, 1-based): chr7:108,150,060, T>G on the plus strand (A>C on the coding strand, the complement: NRCAM is on the minus strand). VCF-style: chr7-108150060-T-G. GRCh37 (hg19) VCF-style: chr7-107790505-T-G.
Other names: c.3486A>C, p.Leu1162= (NM_001193582.2, NM_001371128.1, NM_001371144.1 and 1 more transcripts); c.3429A>C, p.Leu1143= (NM_001193583.2, NM_001371122.1, NM_001371139.1 and 7 more transcripts); c.3393A>C, p.Leu1131= (NM_001193584.2, NM_001371162.1); c.3717A>C, p.Leu1239= (NM_001371119.1); c.3495A>C, p.Leu1165= (NM_001371123.1, NM_001371149.1); c.3708A>C, p.Leu1236= (NM_001371124.1, NM_001371126.1, NM_001371172.1); c.3141A>C, p.Leu1047= (NM_001371125.1, NM_001371147.1); c.3483A>C, p.Leu1161= (NM_001371127.1); and 26 more.
Identifiers: ClinVar variation 4823202 (VCV004823202.4).